The following is an entry in ClinVar:

ClinVar aggregate classification (germline): Uncertain significance (1 of 4 stars; one submission).

Submission:

Labcorp Genetics (formerly Invitae), Labcorp
Classification: Uncertain significance. Last evaluated: 2024-10-03. Review status: criteria provided, single submitter. Criteria: Invitae Variant Classification Sherloc (09022015). Collection method: clinical testing. Allele origin: germline.
Comment: This sequence change replaces glycine, which is neutral and non-polar, with aspartic acid, which is acidic and polar, at codon 648 of the LZTR1 protein (p.Gly648Asp). This variant is not present in population databases (gnomAD no frequency). This variant has not been reported in the literature in individuals affected with LZTR1-related conditions. An algorithm developed to predict the effect of missense changes on protein structure and function (PolyPhen-2) suggests that this variant is likely to be tolerated. Algorithms developed to predict the effect of sequence changes on RNA splicing suggest that this variant may create or strengthen a splice site. In summary, the available evidence is currently insufficient to determine the role of this variant in disease. Therefore, it has been classified as a Variant of Uncertain Significance.

NM_006767.4(LZTR1):c.1943G>A (p.Gly648Asp)

Gene: LZTR1 (leucine zipper like post translational regulator 1; plus strand). Cytogenetic location: 22q11.21.
Variant type: single nucleotide variant.
Coding change: c.1943G>A on transcript NM_006767.4 (MANE Select); coding-DNA position 1943, G replaced by A.
Protein change: p.Gly648Asp; replaces glycine 648 with aspartic acid.
Molecular consequence: missense variant.
Genome position (GRCh38, 1-based): chr22:20,995,746, G>A. VCF-style: chr22-20995746-G-A. GRCh37 (hg19) VCF-style: chr22-21350035-G-A.
Other names: short protein forms G648D.
Identifiers: ClinVar variation 3666713 (VCV003666713.2).
Genomic context (GRCh38, chr22:20,995,746, plus strand): 5'-CGTGGGGCCCCAAGGCCAGAATCCCAGGCTGTACCTGCTCAGGGACCCTCCTACCCCCAG[G>A]CACATCTCTGATCCAGGACATGAAGGCATACCTGGAGGGAGCGGGCGCGGAATTCTGTGA-3'
Protein context (NP_006758.2, residues 638-658): RTPLDQPVDI[Gly648Asp]TSLIQDMKAY